The following is an entry in ClinVar:

ClinVar aggregate classification (germline): Uncertain significance (1 of 4 stars; one submission).

gnomAD v4.1: 1 of 1,614,148 alleles (0.000062%); highest among the groups gnomAD compares: South Asian, 0.0011%; no homozygotes.

Submission:

GeneDx
Classification: Uncertain significance. Last evaluated: 2024-10-30. Review status: criteria provided, single submitter. Criteria: GeneDx Variant Classification Process June 2021. Collection method: clinical testing. Allele origin: germline. Affected: yes.
Comment: Not observed at significant frequency in large population cohorts (gnomAD); In silico analysis supports that this missense variant has a deleterious effect on protein structure/function; Has not been previously published as pathogenic or benign to our knowledge

NM_005327.7(HADH):c.323C>T (p.Ser108Phe)

Gene: HADH (hydroxyacyl-CoA dehydrogenase; plus strand). Cytogenetic location: 4q25.
Variant type: single nucleotide variant.
Coding change: c.323C>T on transcript NM_005327.7 (MANE Select); coding-DNA position 323, C replaced by T.
Protein change: p.Ser108Phe; replaces serine 108 with phenylalanine.
Molecular consequence: missense variant.
Genome position (GRCh38, 1-based): chr4:108,014,492, C>T. VCF-style: chr4-108014492-C-T. GRCh37 (hg19) VCF-style: chr4-108935648-C-T.
Other names: c.323C>T, p.Ser108Phe (NM_001184705.4); c.335C>T, p.Ser112Phe (NM_001331027.2); short protein forms S108F, S112F.
Identifiers: ClinVar variation 3897407 (VCV003897407.1).